The following is an entry in ClinVar:

NM_001364905.1(LRBA):c.5125_5152dup (p.Gln1718delinsArgTer)

Gene: LRBA (LPS responsive beige-like anchor protein; minus strand). Cytogenetic location: 4q31.3.
Variant type: Duplication.
Coding change: c.5125_5152dup on transcript NM_001364905.1 (MANE Select); coding-DNA positions 5125 to 5152, 28 bases duplicated (GGTGATCTATCTGTGGAACAACCCGTGC).
Protein change: p.Gln1718delinsArgTer.
Molecular consequence: nonsense. On other transcripts: frameshift variant (2).
Genome position (GRCh38, 1-based): chr4:150,828,199-150,828,226, GCACGGGTTGTTCCACAGATAGATCACC duplicated on the plus strand (GGTGATCTATCTGTGGAACAACCCGTGC on the coding strand, the reverse complement: LRBA is on the minus strand). VCF-style (leftmost placement, unchanged base first): chr4-150828198-T-TGCACGGGTTGTTCCACAGATAGATCACC. GRCh37 (hg19) VCF-style: chr4-151749350-T-TGCACGGGTTGTTCCACAGATAGATCACC.
Other names: c.5125_5152dup, p.Gln1718Argfs (NM_001199282.3, NM_006726.5); c.5125_5152dup, p.Gln1718delinsArgTer (NM_001367550.1).
Identifiers: ClinVar variation 1069622 (VCV001069622.7), dbSNP rs2126810458, ClinGen allele CA2499217107.

ClinVar aggregate classification (germline): Pathogenic (1 of 4 stars; one submission).

Conditions:
Combined immunodeficiency due to LRBA deficiency. Also called: Common variable immunodeficiency 8, with autoimmunity. Identifiers: Orphanet 445018, MedGen C3553512, MONDO:0013863, OMIM 614700.

Submission:

Labcorp Genetics (formerly Invitae), Labcorp
Classification: Pathogenic for Combined immunodeficiency due to LRBA deficiency. Last evaluated: 2020-03-09. Review status: criteria provided, single submitter. Criteria: Invitae Variant Classification Sherloc (09022015). Collection method: clinical testing. Allele origin: germline.
Comment: Algorithms developed to predict the effect of sequence changes on RNA splicing suggest that this variant may create or strengthen a splice site, but this prediction has not been confirmed by published transcriptional studies. This variant has not been reported in the literature in individuals with LRBA-related conditions. This variant is not present in population databases (ExAC no frequency). This sequence change creates a premature translational stop signal (p.Gln1718Argfs*2) in the LRBA gene. It is expected to result in an absent or disrupted protein product. Loss-of-function variants in LRBA are known to be pathogenic (PMID: 26206937, 26768763). For these reasons, this variant has been classified as Pathogenic.

Literature cited by the submitters: PubMed 26206937; PubMed 26768763.